The following is an entry in ClinVar:

ClinVar aggregate classification (germline): Uncertain significance (1 of 4 stars; one submission).

Conditions:
Werner syndrome (WRN). Identifiers: Orphanet 902, MedGen C0043119, MONDO:0010196, OMIM 277700.

Allele frequency attached by ClinVar (database versions not stated): gnomAD exomes below 0.00001.

Submission:

Labcorp Genetics (formerly Invitae), Labcorp
Classification: Uncertain significance for Werner syndrome. Last evaluated: 2020-05-31. Review status: criteria provided, single submitter. Criteria: Invitae Variant Classification Sherloc (09022015). Collection method: clinical testing. Allele origin: germline.
Comment: This sequence change replaces methionine with threonine at codon 1171 of the WRN protein (p.Met1171Thr). The methionine residue is weakly conserved and there is a moderate physicochemical difference between methionine and threonine. In summary, the available evidence is currently insufficient to determine the role of this variant in disease. Therefore, it has been classified as a Variant of Uncertain Significance. Algorithms developed to predict the effect of missense changes on protein structure and function are either unavailable or do not agree on the potential impact of this missense change (SIFT: "Not Available"; PolyPhen-2: "Benign"; Align-GVGD: "Not Available"). This variant has not been reported in the literature in individuals with WRN-related conditions. This variant is not present in population databases (ExAC no frequency).

NM_000553.6(WRN):c.3512T>C (p.Met1171Thr)

Gene: WRN (WRN RecQ like helicase; plus strand). Cytogenetic location: 8p12.
Variant type: single nucleotide variant.
Coding change: c.3512T>C on transcript NM_000553.6 (MANE Select); coding-DNA position 3512, T replaced by C.
Protein change: p.Met1171Thr; replaces methionine 1171 with threonine.
Molecular consequence: missense variant.
Genome position (GRCh38, 1-based): chr8:31,147,416, T>C. VCF-style: chr8-31147416-T-C. GRCh37 (hg19) VCF-style: chr8-31004932-T-C.
Other names: short protein forms M1171T.
Identifiers: ClinVar variation 1047212 (VCV001047212.3), dbSNP rs1802902314, ClinGen allele CA370925845.